The following is an entry in ClinVar:

NM_000492.4(CFTR):c.715G>A (p.Gly239Arg)

Gene: CFTR (CF transmembrane conductance regulator; plus strand). Cytogenetic location: 7q31.2.
Variant type: single nucleotide variant.
Coding change: c.715G>A on transcript NM_000492.4 (MANE Select); coding-DNA position 715, G replaced by A.
Protein change: p.Gly239Arg; replaces glycine 239 with arginine.
Molecular consequence: missense variant.
Genome position (GRCh38, 1-based): chr7:117,535,383, G>A. VCF-style: chr7-117535383-G-A. GRCh37 (hg19) VCF-style: chr7-117175437-G-A.
Other names: short protein forms G239R.
Identifiers: ClinVar variation 54046 (VCV000054046.36), dbSNP rs397508788, ClinGen allele CA327634.

ClinVar aggregate classification (germline): Uncertain significance. Review status: criteria provided, multiple submitters, no conflicts (2 of 4 stars). 11 submissions from 11 submitters: Uncertain significance (8). 3 of the submissions do not count toward it. Last evaluated 2026-04-06.

Conditions:
CFTR-related disorder (CFTR-RD). Also called: CFTR-related disorders; CFTR-related condition. Identifiers: MedGen C5924204, MONDO:7770004.
Cystic fibrosis (CF). Also called: MUCOVISCIDOSIS. Identifiers: Orphanet 586, MedGen C0010674, MONDO:0009061, OMIM 219700. Disease mechanism: loss of function.

Allele frequency attached by ClinVar (database versions not stated): gnomAD 0.00006 and 0.00005; gnomAD exomes 0.00006 and 0.00008; TOPMed 0.00012; ExAC 0.00009.
gnomAD v4.1: 89 of 1,613,986 alleles (0.0055%); highest among the groups gnomAD compares: Admixed American, 0.018%; no homozygotes.

Submissions (11):

Women's Health and Genetics/Laboratory Corporation of America, LabCorp
Classification: Uncertain significance. Last evaluated: 2026-04-06. Review status: criteria provided, single submitter. Criteria: LabCorp Variant Classification Summary - May 2015. Collection method: clinical testing. Allele origin: germline.
Comment: Variant summary: CFTR c.715G>A (p.Gly239Arg) results in a non-conservative amino acid change located in the ABC transporter type 1, transmembrane domain (IPR011527) of the encoded protein sequence. Algorithms developed to predict the effect of missense changes on protein structure and function are either unavailable or do not agree on the potential impact of this missense change. The variant allele was found at a frequency of 7.6e-05 in 251404 control chromosomes. This frequency is not significantly higher than estimated for disease-causing variants in CFTR, allowing no conclusion about variant significance. c.715G>A has been observed in individual(s) affected with Cystic Fibrosis (e.g., Gilljam_2004, Desai_2018), bronchiectasis (e.g., Puechal_1999), and chronic bronchorrhea and sinusitis with a sweat chloride level of 60 mmol/l (Bienvenu_1995), however a second variant was not reported in these individuals. These reports do not provide unequivocal conclusions about association of the variant with Cystic Fibrosis or other CFTR-related conditions. At least one publication reports experimental evidence evaluating an impact on protein function. The most pronounced variant effect resulted in approximately 58% of normal chloride channel conductance relative to wild type (e.g. Bihler_2024). The following publications have been ascertained in the context of this evaluation (PMID: 7534748, 38388235, 29944384, 15486385, 10445602, 34996830). ClinVar contains an entry for this variant (Variation ID: 54046). Based on the evidence outlined above, the variant was classified as uncertain significance.

Labcorp Genetics (formerly Invitae), Labcorp
Classification: Uncertain significance for Cystic fibrosis. Last evaluated: 2026-01-19. Review status: criteria provided, single submitter. Criteria: Invitae Variant Classification Sherloc (09022015). Collection method: clinical testing. Allele origin: germline.
Comment: This sequence change replaces glycine, which is neutral and non-polar, with arginine, which is basic and polar, at codon 239 of the CFTR protein (p.Gly239Arg). This variant is present in population databases (rs397508788, gnomAD 0.02%). This missense change has been observed in individual(s) with cystic fibrosis or bronchiestasis (PMID: 7534748, 10445602, 15486385, 29944384). ClinVar contains an entry for this variant (Variation ID: 54046). Invitae Evidence Modeling of protein sequence and biophysical properties (such as structural, functional, and spatial information, amino acid conservation, physicochemical variation, residue mobility, and thermodynamic stability) indicates that this missense variant is not expected to disrupt CFTR protein function with a negative predictive value of 80%. Algorithms developed to predict the effect of sequence changes on RNA splicing suggest that this variant may disrupt the consensus splice site. In summary, the available evidence is currently insufficient to determine the role of this variant in disease. Therefore, it has been classified as a Variant of Uncertain Significance.

Ambry Genetics
Classification: Uncertain significance for Cystic fibrosis. Last evaluated: 2024-10-16. Review status: criteria provided, single submitter. Criteria: Ambry Variant Classification Scheme 2023. Collection method: clinical testing. Allele origin: germline.
Comment: The p.G239R variant (also known as c.715G>A), located in coding exon 6 of the CFTR gene, results from a G to A substitution at nucleotide position 715. The glycine at codon 239 is replaced by arginine, an amino acid with dissimilar properties. This variant was also reported in an adult with cystic fibrosis without a second CFTR variant identified (Gilljam M et al. Chest, 2004 Oct;126:1215-24). This amino acid position is not well conserved in available vertebrate species. In addition, the in silico prediction for this alteration is inconclusive. Based on the available evidence, the clinical significance of this variant remains unclear.

Genome-Nilou Lab
Classification: Uncertain significance for Cystic fibrosis. Last evaluated: 2021-09-05. Review status: criteria provided, single submitter. Criteria: ACMG Guidelines, 2015. Collection method: clinical testing. Allele origin: germline. Affected: no.

Mayo Clinic Laboratories, Mayo Clinic
Classification: Uncertain significance. Last evaluated: 2021-02-25. Review status: criteria provided, single submitter. Criteria: ACMG Guidelines, 2015. Collection method: clinical testing. Allele origin: germline. Observed: 1 variant allele.

Quest Diagnostics Nichols Institute San Juan Capistrano
Classification: Uncertain significance. Last evaluated: 2018-11-29. Review status: criteria provided, single submitter. Criteria: Quest Diagnostics criteria. Collection method: clinical testing. Allele origin: germline.

ARUP Laboratories, Molecular Genetics and Genomics, ARUP Laboratories
Classification: Uncertain significance. Last evaluated: 2018-10-27. Review status: criteria provided, single submitter. Criteria: ARUP Molecular Germline Variant Investigation Process. Collection method: clinical testing. Allele origin: germline.
Comment: The CFTR c.715G>A; p.Gly239Arg variant (rs397508788) has been reported in individuals affected with mild cystic fibrosis and pancreatic sufficiency (Bienvenu 1995, Gilljam 2004, SickKids CFTR database) and one individual with symptomatic diffuse bronchiectasis (Puechal 1999). This variant is reported in ClinVar (Variation ID: 54046), and is found in the general population with an overall allele frequency of 0.007% (21/282,796 alleles) in the Genome Aggregation Database. The glycine at codon 239 is weakly conserved, and computational algorithms (PolyPhen-2, SIFT) predict that this variant is tolerated. Due to limited information, the clinical significance of the p.Gly239Arg variant is uncertain at this time. References: SickKids CFTR database: Bienvenu T et al. Identification of a novel missense mutation G239R in exon 6a of the CFTR gene. Hum Hered. 1995; 45(1):53-4. Gilljam M et al. Clinical manifestations of cystic fibrosis among patients with diagnosis in adulthood. Chest. 2004 Oct;126(4):1215-24. Puechal X et al. Increased frequency of cystic fibrosis deltaF508 mutation in bronchiectasis associated with rheumatoid arthritis. Eur Respir J. 1999 Jun;13(6):1281-7.

Eurofins Ntd Llc (ga)
Classification: Uncertain significance. Last evaluated: 2017-08-15. Review status: criteria provided, single submitter. Criteria: EGL Classification Definitions 2015. Collection method: clinical testing. Allele origin: germline. Observed: 4 variant alleles, 4 heterozygotes.

Natera, Inc.
Classification: Uncertain significance for CFTR-related disorders. Last evaluated: 2018-05-21. Review status: no assertion criteria provided. Collection method: clinical testing. Allele origin: germline. Not counted in ClinVar's aggregate classification.

Counsyl
Classification: Uncertain significance for Cystic fibrosis. Last evaluated: 2017-07-14. Review status: no assertion criteria provided. Collection method: clinical testing. Allele origin: unknown. Not counted in ClinVar's aggregate classification.

ClinVar Staff, National Center for Biotechnology Information (NCBI)
No classification provided. Condition: CFTR-related disorders. Review status: no classification provided. Collection method: literature only. Allele origin: germline. Affected: yes. Not counted in ClinVar's aggregate classification.

Literature cited by the submitters: PubMed 10445602 (cited by Women's Health and Genetics/Laboratory Corporation of America, LabCorp and Labcorp Genetics (formerly Invitae), Labcorp); PubMed 7534748 (cited by 5 submitters); PubMed 15486385 (cited by 4 submitters); PubMed 29944384 (cited by Women's Health and Genetics/Laboratory Corporation of America, LabCorp and Labcorp Genetics (formerly Invitae), Labcorp); PubMed 34996830 (cited by Women's Health and Genetics/Laboratory Corporation of America, LabCorp); PubMed 38388235 (cited by Women's Health and Genetics/Laboratory Corporation of America, LabCorp).